The following is an entry in ClinVar:

ClinVar aggregate classification (germline): Likely benign (1 of 4 stars; one submission).

Conditions:
EHHADH-related disorder. Also called: EHHADH-related condition.

Submission:

PreventionGenetics, part of Exact Sciences
Classification: Likely benign for EHHADH-related condition. Last evaluated: 2025-06-25. Review status: criteria provided, single submitter. Criteria: ACMG Guidelines, 2015. Collection method: clinical testing. Allele origin: germline.
Comment: This variant is classified as likely benign based on ACMG/AMP sequence variant interpretation guidelines (Richards et al. 2015 PMID: 25741868, with internal and published modifications).

NM_001966.4(EHHADH):c.429T>A (p.Thr143=)

Gene: EHHADH (enoyl-CoA hydratase and 3-hydroxyacyl CoA dehydrogenase; minus strand). Cytogenetic location: 3q27.2.
Variant type: single nucleotide variant.
Coding change: c.429T>A on transcript NM_001966.4 (MANE Select); coding-DNA position 429, T replaced by A.
Protein change: p.Thr143=; no amino-acid change (threonine 143 retained).
Molecular consequence: synonymous variant.
Genome position (GRCh38, 1-based): chr3:185,229,466, A>T on the plus strand (T>A on the coding strand, the complement: EHHADH is on the minus strand). VCF-style: chr3-185229466-A-T. GRCh37 (hg19) VCF-style: chr3-184947254-A-T.
Other names: c.141T>A, p.Thr47= (NM_001166415.2).
Identifiers: ClinVar variation 4998808 (VCV004998808.1).
Genomic context (GRCh38, chr3:185,229,466, plus strand): 5'-CAGTTGTTGCCAAGGTCTATACTGACCTGAGGTAATTAAGTCAAGTGCAGCAGGAACTCC[A>T]GTGAGTCTGGGGAGAAGCTGGGTTCCTCTTGCACCAGGGAGAAGTCCCAGTGTAACTTCT-3'
Protein context (NP_001957.2, residues 133-153): ARGTQLLPRL[Thr143=]GVPAALDLIT